The following is an entry in ClinVar:

NM_033109.5(PNPT1):c.1180C>A (p.Leu394Ile)

Gene: PNPT1 (polyribonucleotide nucleotidyltransferase 1; minus strand). Cytogenetic location: 2p16.1.
Variant type: single nucleotide variant.
Coding change: c.1180C>A on transcript NM_033109.5 (MANE Select); coding-DNA position 1180, C replaced by A.
Protein change: p.Leu394Ile; replaces leucine 394 with isoleucine.
Molecular consequence: missense variant.
Genome position (GRCh38, 1-based): chr2:55,662,023, G>T on the plus strand (C>A on the coding strand, the complement: PNPT1 is on the minus strand). VCF-style: chr2-55662023-G-T. GRCh37 (hg19) VCF-style: chr2-55889158-G-T.
Other names: short protein forms L394I.
Identifiers: ClinVar variation 1442922 (VCV001442922.8), dbSNP rs1696594476, ClinGen allele CA346928525.

ClinVar aggregate classification (germline): Uncertain significance (1 of 4 stars; one submission).

gnomAD v4.1: 1 of 1,562,554 alleles (0.000064%); highest among the groups gnomAD compares: Non-Finnish European, 0.000086%; no homozygotes.

Submission:

Labcorp Genetics (formerly Invitae), Labcorp
Classification: Uncertain significance. Last evaluated: 2021-02-17. Review status: criteria provided, single submitter. Criteria: Invitae Variant Classification Sherloc (09022015). Collection method: clinical testing. Allele origin: germline.
Comment: This variant is not present in population databases (ExAC no frequency). This sequence change replaces leucine with isoleucine at codon 394 of the PNPT1 protein (p.Leu394Ile). The leucine residue is moderately conserved and there is a small physicochemical difference between leucine and isoleucine. This variant has not been reported in the literature in individuals with PNPT1-related conditions. In summary, the available evidence is currently insufficient to determine the role of this variant in disease. Therefore, it has been classified as a Variant of Uncertain Significance. Algorithms developed to predict the effect of sequence changes on RNA splicing suggest that this variant may create or strengthen a splice site, but this prediction has not been confirmed by published transcriptional studies. Advanced modeling of protein sequence and biophysical properties (such as structural, functional, and spatial information, amino acid conservation, physicochemical variation, residue mobility, and thermodynamic stability) performed at Invitae indicates that this missense variant is not expected to disrupt PNPT1 protein function.